The following is an entry in ClinVar:

NM_001395413.1(POR):c.259C>T (p.Gln87Ter)

Gene: POR (cytochrome p450 oxidoreductase; plus strand). Cytogenetic location: 7q11.23.
Variant type: single nucleotide variant.
Coding change: c.259C>T on transcript NM_001395413.1 (MANE Select); coding-DNA position 259, C replaced by T.
Protein change: p.Gln87Ter; replaces glutamine 87 with a stop codon.
Molecular consequence: nonsense.
Genome position (GRCh38, 1-based): chr7:75,979,481, C>T. VCF-style: chr7-75979481-C-T. GRCh37 (hg19) VCF-style: chr7-75608799-C-T.
Other names: c.268C>T, p.Gln90Ter (NM_000941.2, NM_000941.3); c.259C>T, p.Gln87Ter (NM_001367562.3, NM_001382657.2, NM_001382658.3 and 2 more transcripts); c.313C>T, p.Gln105Ter (NM_001382655.3); short protein forms Q105*, Q87*, Q90*.
Identifiers: ClinVar variation 2783886 (VCV002783886.3), dbSNP rs2535366220, ClinGen allele CA367747340.

ClinVar aggregate classification (germline): Pathogenic (1 of 4 stars; one submission).

Conditions:
Congenital adrenal hyperplasia due to cytochrome P450 oxidoreductase deficiency. Also called: DISORDERED STEROIDOGENESIS DUE TO POR DEFICIENCY. Identifiers: Orphanet 95699, MedGen C1860042, MONDO:0013310, OMIM 613571.

Submission:

Labcorp Genetics (formerly Invitae), Labcorp
Classification: Pathogenic for Congenital adrenal hyperplasia due to cytochrome P450 oxidoreductase deficiency. Last evaluated: 2023-05-08. Review status: criteria provided, single submitter. Criteria: Invitae Variant Classification Sherloc (09022015). Collection method: clinical testing. Allele origin: germline.
Comment: For these reasons, this variant has been classified as Pathogenic. This variant has not been reported in the literature in individuals affected with POR-related conditions. This variant is not present in population databases (gnomAD no frequency). This sequence change creates a premature translational stop signal (p.Gln90*) in the POR gene. It is expected to result in an absent or disrupted protein product. Loss-of-function variants in POR are known to be pathogenic (PMID: 14758361, 20732302, 21741353).

Literature cited by the submitters: PubMed 14758361; PubMed 20732302; PubMed 21741353.